The following is an entry in ClinVar:

NM_003722.5(TP63):c.1892G>A (p.Ser631Asn)

Gene: TP63 (tumor protein p63; plus strand). Cytogenetic location: 3q28.
Variant type: single nucleotide variant.
Coding change: c.1892G>A on transcript NM_003722.5 (MANE Select); coding-DNA position 1892, G replaced by A.
Protein change: p.Ser631Asn; replaces serine 631 with asparagine.
Molecular consequence: missense variant. On other transcripts: 3 prime UTR variant (6).
Genome position (GRCh38, 1-based): chr3:189,894,351, G>A. VCF-style: chr3-189894351-G-A. GRCh37 (hg19) VCF-style: chr3-189612140-G-A.
Other names: c.*130G>A (NM_001114978.2, NM_001114981.2); c.1610G>A, p.Ser537Asn (NM_001114980.2); c.*120G>A (NM_001329144.2, NM_001329145.2, NM_001329149.2 and 1 more transcripts); c.1355G>A, p.Ser452Asn (NM_001329146.2); c.1880G>A, p.Ser627Asn (NM_001329148.2); c.1886G>A, p.Ser629Asn (NM_001329964.2); short protein forms S627N, S631N, S629N, S452N, S537N.
Identifiers: ClinVar variation 1466889 (VCV001466889.5), dbSNP rs1445213116, ClinGen allele CA355751418.
Genomic context (GRCh38, chr3:189,894,351, plus strand): 5'-CCTCCCCTTCTCATCTCCTGCGGACCCCAAGCAGTGCCTCTACAGTCAGTGTGGGCTCCA[G>A]TGAGACCCGGGGTGAGCGTGTTATTGATGCTGTGCGATTCACCCTCCGCCAGACCATCTC-3'
Protein context (NP_003713.3, residues 621-641): SSASTVSVGS[Ser631Asn]ETRGERVIDA

ClinVar aggregate classification (germline): Uncertain significance (1 of 4 stars; one submission).

Conditions:
TP63-Related Spectrum Disorders.

Submission:

Labcorp Genetics (formerly Invitae), Labcorp
Classification: Uncertain significance. Last evaluated: 2022-11-01. Review status: criteria provided, single submitter. Criteria: Invitae Variant Classification Sherloc (09022015). Collection method: clinical testing. Allele origin: germline.
Comment: This variant is not present in population databases (gnomAD no frequency). This sequence change replaces serine, which is neutral and polar, with asparagine, which is neutral and polar, at codon 631 of the TP63 protein (p.Ser631Asn). This variant has not been reported in the literature in individuals affected with TP63-related conditions. ClinVar contains an entry for this variant (Variation ID: 1466889). Advanced modeling of protein sequence and biophysical properties (such as structural, functional, and spatial information, amino acid conservation, physicochemical variation, residue mobility, and thermodynamic stability) has been performed at Invitae for this missense variant, however the output from this modeling did not meet the statistical confidence thresholds required to predict the impact of this variant on TP63 protein function. In summary, the available evidence is currently insufficient to determine the role of this variant in disease. Therefore, it has been classified as a Variant of Uncertain Significance.